The following is an entry in ClinVar:

ClinVar aggregate classification (germline): Uncertain significance. Review status: criteria provided, multiple submitters, no conflicts (2 of 4 stars). 2 submissions from 2 submitters: Uncertain significance (2). Last evaluated 2025-01-15.

Conditions:
Inborn genetic diseases. Identifiers: MedGen C0950123, MeSH D030342.

Allele frequency attached by ClinVar (database versions not stated): gnomAD 0.00003.
gnomAD v4.1: 42 of 1,612,718 alleles (0.0026%); highest among the groups gnomAD compares: Admixed American, 0.068%; no homozygotes.

Submissions (2):

Labcorp Genetics (formerly Invitae), Labcorp
Classification: Uncertain significance. Last evaluated: 2025-01-15. Review status: criteria provided, single submitter. Criteria: Invitae Variant Classification Sherloc (09022015). Collection method: clinical testing. Allele origin: germline.
Comment: This sequence change replaces proline, which is neutral and non-polar, with threonine, which is neutral and polar, at codon 566 of the LTBP2 protein (p.Pro566Thr). This variant is present in population databases (rs761595193, gnomAD 0.1%). This variant has not been reported in the literature in individuals affected with LTBP2-related conditions. ClinVar contains an entry for this variant (Variation ID: 1399398). An algorithm developed to predict the effect of missense changes on protein structure and function (PolyPhen-2) suggests that this variant is likely to be disruptive. In summary, the available evidence is currently insufficient to determine the role of this variant in disease. Therefore, it has been classified as a Variant of Uncertain Significance.

Ambry Genetics
Classification: Uncertain significance for Inborn genetic diseases. Last evaluated: 2024-12-16. Review status: criteria provided, single submitter. Criteria: Ambry Variant Classification Scheme 2023. Collection method: clinical testing. Allele origin: germline.

NM_000428.3(LTBP2):c.1696C>A (p.Pro566Thr)

Gene: LTBP2 (latent transforming growth factor beta binding protein 2; minus strand). Cytogenetic location: 14q24.3.
Variant type: single nucleotide variant.
Coding change: c.1696C>A on transcript NM_000428.3 (MANE Select); coding-DNA position 1696, C replaced by A.
Protein change: p.Pro566Thr; replaces proline 566 with threonine.
Molecular consequence: missense variant.
Genome position (GRCh38, 1-based): chr14:74,549,956, G>T on the plus strand (C>A on the coding strand, the complement: LTBP2 is on the minus strand). VCF-style: chr14-74549956-G-T. GRCh37 (hg19) VCF-style: chr14-75016659-G-T.
Other names: c.1696C>A (NM_000428.2); short protein forms P566T.
Identifiers: ClinVar variation 1399398 (VCV001399398.6), dbSNP rs761595193, ClinGen allele CA7269793.